The following is an entry in ClinVar:

ClinVar aggregate classification (germline): Likely pathogenic (1 of 4 stars; one submission).

Conditions:
Zellweger spectrum disorders (ZS). Also called: Zellweger Spectrum Disorder (ZSD); Zellweger syndrome; Zellweger Spectrum Disorder; Zellweger Spectrum. Identifiers: Orphanet 912, MedGen C0043459, MONDO:0019609.

Submission:

Natera, Inc.
Classification: Likely pathogenic for Zellweger syndrome. Last evaluated: 2025-12-18. Review status: criteria provided, single submitter. Criteria: Natera Variant Classification Schema (03/2026). Collection method: clinical testing. Allele origin: germline.
Comment: The c.340del variant in PEX1 is a frameshift variant predicted to shift the reading frame beginning at codon 114 and leads to a stop codon 18 codons downstream. This variant is expected to result in nonsense mediated decay, truncation, or a dysfunctional protein product. This variant is rare in the general population with a frequency below the threshold expected for the associated phenotype(s). Given the available evidence, this variant is classified as Likely Pathogenic.

NM_000466.3(PEX1):c.340del (p.Asp114fs)

Gene: PEX1 (peroxisomal biogenesis factor 1; minus strand). Cytogenetic location: 7q21.2.
Variant type: Deletion.
Coding change: c.340del on transcript NM_000466.3 (MANE Select); coding-DNA position 340, one base deleted (G; older notation c.340delG).
Protein change: p.Asp114fs; shifts the reading frame from aspartic acid 114.
Molecular consequence: frameshift variant. On other transcripts: 5 prime UTR variant (1).
Genome position (GRCh38, 1-based): chr7:92,519,012, C deleted on the plus strand (G on the coding strand, the reverse complement: PEX1 is on the minus strand). VCF-style (leftmost placement, unchanged base first): chr7-92519011-TC-T. GRCh37 (hg19) VCF-style: chr7-92148325-TC-T.
Other names: c.340del, p.Asp114fs (NM_001282677.2); c.-320del (NM_001282678.2); short protein forms D114fs.
Identifiers: ClinVar variation 4818404 (VCV004818404.1).